The following is an entry in ClinVar:

NM_000784.4(CYP27A1):c.1007dup (p.Val337fs)

Gene: CYP27A1 (cytochrome P450 family 27 subfamily A member 1; plus strand). Cytogenetic location: 2q35.
Variant type: Duplication.
Coding change: c.1007dup on transcript NM_000784.4 (MANE Select); coding-DNA position 1007, one base duplicated (G; older notation c.1007dupG).
Protein change: p.Val337fs; shifts the reading frame from valine 337.
Molecular consequence: frameshift variant.
Genome position (GRCh38, 1-based): chr2:218,813,086, G duplicated; the last of 2 consecutive G bases (chr2:218,813,085-218,813,086); duplicating either gives the same sequence. VCF-style (leftmost placement, unchanged base first): chr2-218813084-T-TG. GRCh37 (hg19) VCF-style: chr2-219677807-T-TG.
Other names: short protein forms V337fs.
Identifiers: ClinVar variation 4814474 (VCV004814474.1).
Genomic context (GRCh38, chr2:218,813,084, plus strand): 5'-GGCCAGTGGACAGCTCAGTCCTCGGGAGGCCATGGGCAGCCTGCCTGAGCTGCTCATGGC[T>TG]GGAGTGGACACGGTGCGTGAAGGGGGAGGGTGAGACCAGGGGCCCCCAGCTCCCAACCTG-3'

ClinVar aggregate classification (germline): Likely pathogenic (1 of 4 stars; one submission).

Conditions:
Cholestanol storage disease (CTX). Also called: Cerebrotendinous Xanthomatosis; CTX: Cerebrotendinous xanthomatosis; CEREBRAL CHOLESTERINOSIS. Identifiers: Orphanet 909, MedGen C0238052, MONDO:0008948, OMIM 213700.

Submission:

Natera, Inc.
Classification: Likely pathogenic for Cerebrotendinous xanthomatosis. Last evaluated: 2025-06-08. Review status: criteria provided, single submitter. Criteria: Natera Variant Classification Schema (03/2026). Collection method: clinical testing. Allele origin: germline.
Comment: The c.1007dup variant in CYP27A1 is a frameshift variant predicted to shift the reading frame beginning at codon 337 and leads to a stop codon 20 codons downstream. This variant is expected to result in nonsense mediated decay, truncation, or a dysfunctional protein product. This variant is rare in the general population with a frequency below the threshold expected for the associated phenotype(s). Given the available evidence, this variant is classified as Likely Pathogenic.